The following is an entry in ClinVar:

NM_015999.6(ADIPOR1):c.436G>A (p.Val146Met)

Gene: ADIPOR1 (adiponectin receptor 1; minus strand). Cytogenetic location: 1q32.1.
Variant type: single nucleotide variant.
Coding change: c.436G>A on transcript NM_015999.6 (MANE Select); coding-DNA position 436, G replaced by A.
Protein change: p.Val146Met; replaces valine 146 with methionine.
Molecular consequence: missense variant.
Genome position (GRCh38, 1-based): chr1:202,945,164, C>T on the plus strand (G>A on the coding strand, the complement: ADIPOR1 is on the minus strand). VCF-style: chr1-202945164-C-T. GRCh37 (hg19) VCF-style: chr1-202914292-C-T.
Other names: c.436G>A, p.Val146Met (NM_001127687.1, NM_001290553.2, NM_001290557.1 and 1 more transcripts); short protein forms V146M.
Identifiers: ClinVar variation 1906313 (VCV001906313.6), dbSNP rs750288767, ClinGen allele CA1335945.

ClinVar aggregate classification (germline): Uncertain significance. Review status: criteria provided, multiple submitters, no conflicts (2 of 4 stars). 2 submissions from 2 submitters: Uncertain significance (2). Last evaluated 2022-07-13.

Conditions:
Retinal dystrophy. Also called: Inherited retinal dystrophy. Identifiers: Orphanet 71862, MedGen C0854723, MeSH D058499, MONDO:0019118, HP:0000556.

Allele frequency attached by ClinVar (database versions not stated): gnomAD exomes 0.00001; ExAC 0.00002; TOPMed 0.00002; gnomAD 0.00003.
gnomAD v4.1: 16 of 1,606,234 alleles (0.001%); highest among the groups gnomAD compares: Admixed American, 0.0069%; no homozygotes.

Submissions (2):

Labcorp Genetics (formerly Invitae), Labcorp
Classification: Uncertain significance. Last evaluated: 2022-07-13. Review status: criteria provided, single submitter. Criteria: Invitae Variant Classification Sherloc (09022015). Collection method: clinical testing. Allele origin: germline.
Comment: This sequence change replaces valine, which is neutral and non-polar, with methionine, which is neutral and non-polar, at codon 146 of the ADIPOR1 protein (p.Val146Met). This variant is present in population databases (rs750288767, gnomAD 0.003%). This variant has not been reported in the literature in individuals affected with ADIPOR1-related conditions. Algorithms developed to predict the effect of missense changes on protein structure and function are either unavailable or do not agree on the potential impact of this missense change (SIFT: "Deleterious"; PolyPhen-2: "Benign"; Align-GVGD: "Class C0"). In summary, the available evidence is currently insufficient to determine the role of this variant in disease. Therefore, it has been classified as a Variant of Uncertain Significance.

Institute of Human Genetics, Univ. Regensburg, Univ. Regensburg
Classification: Uncertain significance for Retinal dystrophy. Last evaluated: 2018-01-01. Review status: criteria provided, single submitter. Criteria: ACMG Guidelines, 2015. Collection method: clinical testing. Allele origin: germline. Affected: yes.

Literature cited by the submitters: PubMed 33523960 (cited by Institute of Human Genetics, Univ. Regensburg, Univ. Regensburg).